The following is an entry in ClinVar:

ClinVar aggregate classification (germline): Uncertain significance. Review status: criteria provided, multiple submitters, no conflicts (2 of 4 stars). 2 submissions from 2 submitters: Uncertain significance (2). Last evaluated 2024-11-28.

Conditions:
Inborn genetic diseases. Identifiers: MedGen C0950123, MeSH D030342.

Submissions (2):

Ambry Genetics
Classification: Uncertain significance for Inborn genetic diseases. Last evaluated: 2024-11-28. Review status: criteria provided, single submitter. Criteria: Ambry Variant Classification Scheme 2023. Collection method: clinical testing. Allele origin: germline.
Comment: The p.P464R variant (also known as c.1391C>G), located in coding exon 8 of the MECOM gene, results from a C to G substitution at nucleotide position 1391. The proline at codon 464 is replaced by arginine, an amino acid with dissimilar properties. This amino acid position is conserved. In addition, this alteration is predicted to be tolerated by in silico analysis. Based on the available evidence, the clinical significance of this variant remains unclear.

Labcorp Genetics (formerly Invitae), Labcorp
Classification: Uncertain significance. Last evaluated: 2023-11-21. Review status: criteria provided, single submitter. Criteria: Invitae Variant Classification Sherloc (09022015). Collection method: clinical testing. Allele origin: germline.
Comment: This sequence change replaces proline, which is neutral and non-polar, with arginine, which is basic and polar, at codon 276 of the MECOM protein (p.Pro276Arg). This variant is not present in population databases (gnomAD no frequency). This variant has not been reported in the literature in individuals affected with MECOM-related conditions. An algorithm developed to predict the effect of missense changes on protein structure and function (PolyPhen-2) suggests that this variant is likely to be disruptive. In summary, the available evidence is currently insufficient to determine the role of this variant in disease. Therefore, it has been classified as a Variant of Uncertain Significance.

NM_004991.4(MECOM):c.1391C>G (p.Pro464Arg)

Gene: MECOM (MDS1 and EVI1 complex locus; minus strand). Cytogenetic location: 3q26.2.
Variant type: single nucleotide variant.
Coding change: c.1391C>G on transcript NM_004991.4 (MANE Select); coding-DNA position 1391, C replaced by G.
Protein change: p.Pro464Arg; replaces proline 464 with arginine.
Molecular consequence: missense variant. On other transcripts: intron variant (2).
Genome position (GRCh38, 1-based): chr3:169,116,481, G>C on the plus strand (C>G on the coding strand, the complement: MECOM is on the minus strand). VCF-style: chr3-169116481-G-C. GRCh37 (hg19) VCF-style: chr3-168834269-G-C.
Other names: c.1391C>G (NM_004991.3); c.1133-714C>G (NM_001366473.2); c.569-714C>G (NM_001366474.2); c.1022C>G, p.Pro341Arg (NM_001105077.4); c.827C>G, p.Pro276Arg (NM_001105078.4, NM_001164000.2, NM_001205194.2 and 4 more transcripts); c.830C>G, p.Pro277Arg (NM_001163999.2, NM_001366467.2, NM_001366468.2 and 1 more transcripts); c.1391C>G, p.Pro464Arg (NM_001366466.2); short protein forms P276R, P464R, P277R, P341R.
Identifiers: ClinVar variation 2698004 (VCV002698004.4), dbSNP rs533236543, ClinGen allele CA355062572.
Genomic context (GRCh38, chr3:169,116,481, plus strand): 5'-GCTGTTGGAAAGGTAAGACCAGCAGGATGCCTATTGGCGCCAAAATAGTCAGCAAGGCCC[G>C]GGTTGGCATGACTCATATTAACCATGGACGTTTTATCCATAGCTGGGGTTCCAGGAAGTG-3'
Protein context (NP_004982.2, residues 454-474): TSMVNMSHAN[Pro464Arg]GLADYFGANR